The following is an entry in ClinVar:

NM_001851.6(COL9A1):c.269G>A (p.Gly90Glu)

Gene: COL9A1 (collagen type IX alpha 1 chain; minus strand). Cytogenetic location: 6q13.
Variant type: single nucleotide variant.
Coding change: c.269G>A on transcript NM_001851.6 (MANE Select); coding-DNA position 269, G replaced by A.
Protein change: p.Gly90Glu; replaces glycine 90 with glutamic acid.
Molecular consequence: missense variant.
Genome position (GRCh38, 1-based): chr6:70,300,073, C>T on the plus strand (G>A on the coding strand, the complement: COL9A1 is on the minus strand). VCF-style: chr6-70300073-C-T. GRCh37 (hg19) VCF-style: chr6-71009776-C-T.
Other names: c.269G>A, p.Gly90Glu (NM_001377291.1); short protein forms G90E.
Identifiers: ClinVar variation 1434055 (VCV001434055.6), dbSNP rs2127608290, ClinGen allele CA364674189.

ClinVar aggregate classification (germline): Uncertain significance (1 of 4 stars; one submission).

Allele frequency attached by ClinVar (database versions not stated): gnomAD exomes below 0.00001.
gnomAD v4.1: 2 of 1,613,858 alleles (0.00012%); highest among the groups gnomAD compares: Non-Finnish European, 0.00017%; no homozygotes.

Submission:

Labcorp Genetics (formerly Invitae), Labcorp
Classification: Uncertain significance. Last evaluated: 2021-12-29. Review status: criteria provided, single submitter. Criteria: Invitae Variant Classification Sherloc (09022015). Collection method: clinical testing. Allele origin: germline.
Comment: In summary, the available evidence is currently insufficient to determine the role of this variant in disease. Therefore, it has been classified as a Variant of Uncertain Significance. Advanced modeling of protein sequence and biophysical properties (such as structural, functional, and spatial information, amino acid conservation, physicochemical variation, residue mobility, and thermodynamic stability) performed at Invitae indicates that this missense variant is not expected to disrupt COL9A1 protein function. This variant has not been reported in the literature in individuals affected with COL9A1-related conditions. This variant is not present in population databases (gnomAD no frequency). This sequence change replaces glycine, which is neutral and non-polar, with glutamic acid, which is acidic and polar, at codon 90 of the COL9A1 protein (p.Gly90Glu).